The following is an entry in ClinVar:

NM_021224.6(ZNF462):c.945_946del (p.Thr316fs)

Gene: ZNF462 (zinc finger protein 462; plus strand). Cytogenetic location: 9q31.2.
Variant type: Deletion.
Coding change: c.945_946del on transcript NM_021224.6 (MANE Select); coding-DNA positions 945 to 946, 2 bases deleted (TA; older notation c.945_946delTA).
Protein change: p.Thr316fs; shifts the reading frame from threonine 316.
Molecular consequence: frameshift variant.
Genome position (GRCh38, 1-based): chr9:106,924,857-106,924,858, TA deleted. VCF-style (leftmost placement, unchanged base first): chr9-106924856-CTA-C. GRCh37 (hg19) VCF-style: chr9-109687137-CTA-C.
Other names: c.945_946del, p.Thr316fs (NM_001347997.2); short protein forms T316fs.
Identifiers: ClinVar variation 3764678 (VCV003764678.2).
Genomic context (GRCh38, chr9:106,924,856, plus strand): 5'-GCCCCACTTCCAACTCCACCTATCTGACCATGAATGCTGCAAGCCGGGAGATACCCAATA[CTA>C]CCGTCTCCAACTTCAGGGGCTCCATGGGCAACTCCATCATGAGACCCAATTCTTCAGCTT-3'

ClinVar aggregate classification (germline): Likely pathogenic (1 of 4 stars; one submission).

Conditions:
Weiss-Kruszka syndrome. Also called: Metopic ridging-ptosis-facial dysmorphism syndrome. Identifiers: Orphanet 502430, MedGen C5568107, MONDO:0032836, OMIM 618619.

Submission:

Juno Genomics, Hangzhou Juno Genomics, Inc
Classification: Likely pathogenic for Weiss-Kruszka syndrome. Review status: criteria provided, single submitter. Criteria: ACMG Guidelines, 2015. Collection method: clinical testing. Allele origin: germline. Affected: yes.
Comment: Absent from controls (or at extremely low frequency if recessive) in Genome Aggregation Database, Exome Sequencing Project, 1000 Genomes Project, or Exome Aggregation Consortium.;Null variant in a gene where loss of function (LOF) is a known mechanism of disease.